The following is an entry in ClinVar:

ClinVar aggregate classification (germline): Pathogenic. Review status: criteria provided, single submitter (1 of 4 stars). 3 submissions from 2 submitters: Pathogenic (1). 2 of the submissions do not count toward it. Last evaluated 2025-07-14.

Conditions:
Erythrocytosis, familial, 6. Also called: ERYTHROCYTOSIS, BETA-GLOBIN TYPE; POLYCYTHEMIA, BETA-GLOBIN TYPE. Identifiers: MedGen C4693822, MONDO:0054801, OMIM 617980.
HEMOGLOBIN SYRACUSE.

Submissions (3):

ARUP Laboratories, Molecular Genetics and Genomics, ARUP Laboratories
Classification: Pathogenic. Last evaluated: 2025-07-14. Review status: criteria provided, single submitter. Criteria: ARUP Molecular Germline Variant Investigation Process 2024. Collection method: clinical testing. Allele origin: germline.
Comment: The Hb Syracuse variant (HBB: c.431A>C; p.His144Pro, also known as His143Pro when numbered from the mature protein; rs33918338; ClinVar Variation ID: 15365) is reported in the literature in the heterozygous state in several individuals affected with erythrocytosis (Gonzalez Fernandez 2009, Jensen 1975) (HbVar database). At least one individual with this variant had multiple family members with erythrocytosis (Jensen 1975), and its occurrence in heterozygous affected individuals suggests it acts in a dominant manner (Gonzalez Fernandez 2009, Jensen 1975) (HbVar database). This variant is absent from the Genome Aggregation Database (v2.1.1), indicating it is not a common polymorphism. Computational analyses predict that this variant is deleterious (REVEL: 0.791). This variant occurs in the functionally important 2,3-diphosphoglycerate binding site (Wajcman 2005), and functional studies indicate this variant exhibits increased oxygen affinity (Jensen 1975). Additionally, other amino acid substitutions at this codon (p.His144Gln, p.His144Arg) also exhibit increased oxygen affinity and are associated with erythrocytosis (Camps 2016, Venkateswaran 2005, Wajcman 2005). Based on available information, the Hb Syracuse variant is considered to be pathogenic. References: HbVar link for Hb Syracuse: Camps C et al. Gene panel sequencing improves the diagnostic work-up of patients with idiopathic erythrocytosis and identifies new mutations. Haematologica. 2016 Nov. PMID: 27651169 Gonzalez Fernandez FA et al. Haemoglobinopathies with high oxygen affinity. Experience of Erythropathology Cooperative Spanish Group. Ann Hematol. 2009 Mar. PMID: 18818920 Jensen M et al. Hemoglobin Syracuse (alpha2beta2-143(H21)His leads to Pro), a new high-affinity variant detected by special electrophoretic methods. Observations on the auto-oxidation of normal and variant hemoglobins. J Clin Invest. 1975 Mar. PMID: 234980 Venkateswaran L et al. Homozygous hemoglobin Abruzzo in a North American child. J Pediatr Hematol Oncol. 2005 Nov. PMID: 16282896 Wajcman H et al. Hemoglobins with high oxygen affinity leading to erythrocytosis. New variants and new concepts. Hemoglobin. 2005 PMID: 15921161

OMIM
Classification: other for HEMOGLOBIN SYRACUSE. Last evaluated: 2017-12-12. Review status: no assertion criteria provided. Collection method: literature only. Allele origin: germline. Not counted in ClinVar's aggregate classification.

OMIM
Classification: Pathogenic for ERYTHROCYTOSIS 6. Last evaluated: 1975-03-01. Review status: no assertion criteria provided. Collection method: literature only. Allele origin: germline. Not counted in ClinVar's aggregate classification.

Literature cited by the submitters: PubMed 234980 (cited by OMIM).

NM_000518.5(HBB):c.431A>C (p.His144Pro)

Genes: HBB (hemoglobin subunit beta; minus strand), LOC107133510 (origin of replication at HBB; plus strand), LOC110006319 (beta-globin gene 3' regulatory region; plus strand). Cytogenetic location: 11p15.4.
Variant type: single nucleotide variant.
Coding change: c.431A>C on transcript NM_000518.5 (MANE Select); coding-DNA position 431, A replaced by C.
Protein change: p.His144Pro; replaces histidine 144 with proline.
Molecular consequence: missense variant.
Genome position (GRCh38, 1-based): chr11:5,225,611, T>G on the plus strand (A>C on the coding strand, the complement: HBB is on the minus strand). VCF-style: chr11-5225611-T-G. GRCh37 (hg19) VCF-style: chr11-5246841-T-G.
Other names: H143P; short protein forms H144P.
Identifiers: ClinVar variation 15365 (VCV000015365.11), dbSNP rs33918338, ClinGen allele CA125192.